The following is an entry in ClinVar:

NM_138713.4(NFAT5):c.779C>T (p.Thr260Met)

Gene: NFAT5 (nuclear factor of activated T cells 5; plus strand). Cytogenetic location: 16q22.1.
Variant type: single nucleotide variant.
Coding change: c.779C>T on transcript NM_138713.4 (MANE Select); coding-DNA position 779, C replaced by T.
Protein change: p.Thr260Met; replaces threonine 260 with methionine.
Molecular consequence: missense variant. On other transcripts: intron variant (1).
Genome position (GRCh38, 1-based): chr16:69,647,553, C>T. VCF-style: chr16-69647553-C-T. GRCh37 (hg19) VCF-style: chr16-69681456-C-T.
Other names: c.779C>T, p.Thr260Met (NM_001113178.3); c.725C>T, p.Thr242Met (NM_006599.4); c.497C>T, p.Thr166Met (NM_138714.4, NM_173214.3, NM_173215.3); c.140+386C>T (NM_001367709.1); short protein forms T166M, T242M, T260M.
Identifiers: ClinVar variation 864683 (VCV000864683.9), dbSNP rs928159727, ClinGen allele CA283343174.

ClinVar aggregate classification (germline): Uncertain significance (1 of 4 stars; one submission).

Conditions:
Immunodeficiency. Identifiers: MedGen C0021051, MONDO:0021094, HP:0002721.

Allele frequency attached by ClinVar (database versions not stated): gnomAD exomes 0.00001 and 0.00002.
gnomAD v4.1: 9 of 1,592,664 alleles (0.00057%); highest among the groups gnomAD compares: Admixed American, 0.0034%; no homozygotes.

Submission:

Labcorp Genetics (formerly Invitae), Labcorp
Classification: Uncertain significance for Immunodeficiency. Last evaluated: 2025-02-04. Review status: criteria provided, single submitter. Criteria: Invitae Variant Classification Sherloc (09022015). Collection method: clinical testing. Allele origin: germline.
Comment: This sequence change replaces threonine, which is neutral and polar, with methionine, which is neutral and non-polar, at codon 166 of the NFAT5 protein (p.Thr166Met). This variant is present in population databases (no rsID available, gnomAD 0.006%). This variant has not been reported in the literature in individuals affected with NFAT5-related conditions. ClinVar contains an entry for this variant (Variation ID: 864683). An algorithm developed to predict the effect of missense changes on protein structure and function (PolyPhen-2) suggests that this variant is likely to be disruptive. In summary, the available evidence is currently insufficient to determine the role of this variant in disease. Therefore, it has been classified as a Variant of Uncertain Significance.